The following is an entry in ClinVar:

ClinVar aggregate classification (germline): Pathogenic (1 of 4 stars; one submission).

Conditions:
Tay-Sachs disease (TSD). Also called: HEXA DEFICIENCY; HEXA Disorders; GM2 gangliosidosis, type 1; Hexosaminidase alpha-subunit deficiency (variant B); Sphingolipidosis, Tay-Sachs; Hexosaminidase A Deficiency. Identifiers: Orphanet 845, MedGen C0039373, MONDO:0010100, OMIM 272800.

Submission:

Labcorp Genetics (formerly Invitae), Labcorp
Classification: Pathogenic for Tay-Sachs disease. Last evaluated: 2022-06-17. Review status: criteria provided, single submitter. Criteria: Invitae Variant Classification Sherloc (09022015). Collection method: clinical testing. Allele origin: germline.
Comment: For these reasons, this variant has been classified as Pathogenic. This variant disrupts a region of the HEXA protein in which other variant(s) (p.Leu127Arg) have been determined to be pathogenic (PMID: 16088929). This suggests that this is a clinically significant region of the protein, and that variants that disrupt it are likely to be disease-causing. This variant has not been reported in the literature in individuals affected with HEXA-related conditions. This variant results in the deletion of exon 2-3 and part of exon 4 (c.254-4133_428del) of the HEXA gene. It is expected to disrupt RNA splicing. Variants that disrupt the donor or acceptor splice site typically lead to a loss of protein function (PMID: 16199547), and loss-of-function variants in HEXA are known to be pathogenic (PMID: 1833974, 8490625).

Literature cited by the submitters: PubMed 16088929; PubMed 16199547; PubMed 1833974; PubMed 8490625.

NC_000015.9:g.(?_72646063)_(72653091_?)del

Gene: HEXA (hexosaminidase subunit alpha; minus strand). Cytogenetic location: 15q23.
Variant type: Deletion.
Identifiers: ClinVar variation 2423195 (VCV002423195.4).